The following is an entry in ClinVar:

ClinVar aggregate classification (germline): Benign/Likely benign. Review status: criteria provided, multiple submitters, no conflicts (2 of 4 stars). 6 submissions from 6 submitters: Benign (1); Likely benign (5). Last evaluated 2026-06-01.

Conditions:
Landau-Kleffner syndrome (FESD). Also called: EPILEPSY, FOCAL, WITH SPEECH DISORDER AND WITH OR WITHOUT MENTAL RETARDATION; APHASIA, ACQUIRED, WITH EPILEPSY. Identifiers: Orphanet 1945, Orphanet 725, Orphanet 98818, MedGen C0282512, MONDO:0009509, OMIM 245570.
Inborn genetic diseases. Identifiers: MedGen C0950123, MeSH D030342.

Allele frequency attached by ClinVar (database versions not stated): TOPMed 0.00014; ESP Exome Variant Server 0.00015.
gnomAD v4.1: 178 of 1,614,060 alleles (0.011%); highest among the groups gnomAD compares: Middle Eastern, 0.033%; no homozygotes.

Submissions (6):

CeGaT Center for Human Genetics Tuebingen
Classification: Likely benign. Last evaluated: 2026-06-01. Review status: criteria provided, single submitter. Criteria: CeGaT Center For Human Genetics Tuebingen Variant Classification Criteria Version 2. Collection method: clinical testing. Allele origin: germline. Affected: yes. Observed: 7 variant alleles.
Comment: GRIN2A: BP4

Labcorp Genetics (formerly Invitae), Labcorp
Classification: Likely benign for Landau-Kleffner syndrome. Last evaluated: 2025-11-23. Review status: criteria provided, single submitter. Criteria: Invitae Variant Classification Sherloc (09022015). Collection method: clinical testing. Allele origin: germline.

Blueprint Genetics
Classification: Likely benign. Last evaluated: 2024-10-08. Review status: criteria provided, single submitter. Criteria: ACMG Guidelines, 2015. Collection method: clinical testing. Allele origin: germline.

GeneDx
Classification: Likely benign. Last evaluated: 2020-08-13. Review status: criteria provided, single submitter. Criteria: GeneDx Variant Classification Process June 2021. Collection method: clinical testing. Allele origin: germline. Affected: yes.

Illumina Laboratory Services, Illumina
Classification: Benign for Landau-Kleffner syndrome. Last evaluated: 2018-01-13. Review status: criteria provided, single submitter. Criteria: ICSL Variant Classification Criteria 13 December 2019. Collection method: clinical testing. Allele origin: germline.
Comment: This variant was observed in the ICSL laboratory as part of a predisposition screen in an ostensibly healthy population. It had not been previously curated by ICSL or reported in the Human Gene Mutation Database (HGMD: prior to June 1st, 2018), and was therefore a candidate for classification through an automated scoring system. Utilizing variant allele frequency, disease prevalence and penetrance estimates, and inheritance mode, an automated score was calculated to assess if this variant is too frequent to cause the disease. Based on the score and internal cut-off values, a variant classified as benign is not then subjected to further curation. The score for this variant resulted in a classification of benign for this disease.

Ambry Genetics
Classification: Likely benign for Inborn genetic diseases. Last evaluated: 2017-08-03. Review status: criteria provided, single submitter. Criteria: Ambry Variant Classification Scheme 2023. Collection method: clinical testing. Allele origin: germline.

NM_001134407.3(GRIN2A):c.3246C>T (p.Thr1082=)

Gene: GRIN2A (glutamate ionotropic receptor NMDA type subunit 2A; minus strand). Cytogenetic location: 16p13.2.
Variant type: single nucleotide variant.
Coding change: c.3246C>T on transcript NM_001134407.3 (MANE Select); coding-DNA position 3246, C replaced by T.
Protein change: p.Thr1082=; no amino-acid change (threonine 1082 retained).
Molecular consequence: synonymous variant.
Genome position (GRCh38, 1-based): chr16:9,764,298, G>A on the plus strand (C>T on the coding strand, the complement: GRIN2A is on the minus strand). VCF-style: chr16-9764298-G-A. GRCh37 (hg19) VCF-style: chr16-9858155-G-A.
Other names: c.3246C>T, p.Thr1082= (NM_000833.5, NM_001134408.2).
Identifiers: ClinVar variation 321605 (VCV000321605.59), dbSNP rs143039009, ClinGen allele CA7896346.